The following is an entry in ClinVar:

ClinVar aggregate classification (germline): Conflicting classifications of pathogenicity. Review status: criteria provided, conflicting classifications (1 of 4 stars). 3 submissions from 3 submitters: Likely pathogenic (1); Uncertain significance (2). Last evaluated 2025-10-09.

Conditions:
Hereditary cancer-predisposing syndrome. Also called: Hereditary neoplastic syndrome; Neoplastic Syndromes, Hereditary; Tumor predisposition; Hereditary Cancer Syndrome. Identifiers: Orphanet 140162, MedGen C0027672, MeSH D009386, MONDO:0015356.

Submissions (3):

Ambry Genetics
Classification: Uncertain significance for Hereditary cancer-predisposing syndrome. Last evaluated: 2025-10-09. Review status: criteria provided, single submitter. Criteria: Ambry Variant Classification Scheme 2023. Collection method: clinical testing. Allele origin: germline.
Comment: The c.4149+2T>C intronic variant results from a T to C substitution two nucleotides after coding exon 32 in the POLE gene. This nucleotide position is well conserved in available vertebrate species. In silico splice site analysis predicts that this alteration will weaken the native splice donor site. Alterations that disrupt the canonical splice site are expected to cause aberrant splicing, resulting in an abnormal protein or a transcript that is subject to nonsense-mediated mRNA decay; however, +2T>C alterations are capable of generating wild-type transcripts in some genomic contexts and should be interpreted with caution (Lin JH et al. Hum Mutat. 2019 10;40:1856-1873). Based on the available evidence, the clinical significance of this alteration remains unclear.

Labcorp Genetics (formerly Invitae), Labcorp
Classification: Likely pathogenic. Last evaluated: 2022-10-03. Review status: criteria provided, single submitter. Criteria: Invitae Variant Classification Sherloc (09022015). Collection method: clinical testing. Allele origin: germline.
Comment: In summary, the currently available evidence indicates that the variant is pathogenic, but additional data are needed to prove that conclusively. Therefore, this variant has been classified as Likely Pathogenic. Algorithms developed to predict the effect of sequence changes on RNA splicing suggest that this variant may disrupt the consensus splice site. ClinVar contains an entry for this variant (Variation ID: 424034). This variant has not been reported in the literature in individuals affected with POLE-related conditions. This variant is not present in population databases (gnomAD no frequency). This sequence change affects a donor splice site in intron 32 of the POLE gene. It is expected to disrupt RNA splicing. Variants that disrupt the donor or acceptor splice site typically lead to a loss of protein function (PMID: 16199547), and loss-of-function variants in POLE are known to be pathogenic (PMID: 23230001, 25948378, 30503519).

GeneDx
Classification: Uncertain significance. Last evaluated: 2019-09-13. Review status: criteria provided, single submitter. Criteria: GeneDx Variant Classification Process June 2021. Collection method: clinical testing. Allele origin: germline. Affected: yes.
Comment: Not observed in large population cohorts (Lek et al., 2016); Canonical splice site variant predicted to result in an in-frame deletion of exon 32.; Has not been previously published as pathogenic or benign to our knowledge

Literature cited by the submitters: PubMed 16199547 (cited by Labcorp Genetics (formerly Invitae), Labcorp); PubMed 23230001 (cited by Labcorp Genetics (formerly Invitae), Labcorp); PubMed 25948378 (cited by Labcorp Genetics (formerly Invitae), Labcorp); PubMed 30503519 (cited by Labcorp Genetics (formerly Invitae), Labcorp).

NM_006231.4(POLE):c.4149+2T>C

Gene: POLE (DNA polymerase epsilon, catalytic subunit; minus strand). Cytogenetic location: 12q24.33.
Variant type: single nucleotide variant.
Coding change: c.4149+2T>C on transcript NM_006231.4 (MANE Select); the canonical splice donor site of the intron after coding-DNA position 4149, T replaced by C.
Molecular consequence: splice donor variant.
Genome position (GRCh38, 1-based): chr12:132,648,927, A>G on the plus strand (T>C on the coding strand, the complement: POLE is on the minus strand). VCF-style: chr12-132648927-A-G. GRCh37 (hg19) VCF-style: chr12-133225513-A-G.
Identifiers: ClinVar variation 424034 (VCV000424034.10), dbSNP rs1064796760, ClinGen allele CA16619463.